The following is an entry in ClinVar:

ClinVar aggregate classification (germline): Uncertain significance. Review status: criteria provided, single submitter (1 of 4 stars). 2 submissions from 2 submitters: Uncertain significance (1). 1 of the submissions does not count toward it. Last evaluated 2024-05-16.

Conditions:
Granulomatous disease, chronic, autosomal recessive, cytochrome b-negative. Also called: CGD DUE TO DEFICIENCY OF THE ALPHA SUBUNIT OF CYTOCHROME b; CGD, AUTOSOMAL RECESSIVE CYTOCHROME b-NEGATIVE; CYBA DEFICIENCY; GRANULOMATOUS DISEASE, CHRONIC, AUTOSOMAL RECESSIVE, 4; Chronic granulomatous disease, autosomal, due to deficiency of CYBA. Identifiers: Orphanet 379, MedGen C1856255, MONDO:0009308, OMIM 233690.
Chronic granulomatous disease. Identifiers: Orphanet 379, MedGen C0018203, MONDO:0018305.

gnomAD v4.1: 1 of 1,613,998 alleles (0.000062%); highest among the groups gnomAD compares: Admixed American, 0.0017%; no homozygotes.

Submissions (2):

Labcorp Genetics (formerly Invitae), Labcorp
Classification: Uncertain significance for Granulomatous disease, chronic, autosomal recessive, cytochrome b-negative. Last evaluated: 2024-05-16. Review status: criteria provided, single submitter. Criteria: Invitae Variant Classification Sherloc (09022015). Collection method: clinical testing. Allele origin: germline.
Comment: This sequence change replaces threonine, which is neutral and polar, with isoleucine, which is neutral and non-polar, at codon 84 of the CYBA protein (p.Thr84Ile). This variant is not present in population databases (gnomAD no frequency). This variant has not been reported in the literature in individuals affected with CYBA-related conditions. An algorithm developed to predict the effect of missense changes on protein structure and function (PolyPhen-2) suggests that this variant is likely to be disruptive. In summary, the available evidence is currently insufficient to determine the role of this variant in disease. Therefore, it has been classified as a Variant of Uncertain Significance.

Natera, Inc.
Classification: Uncertain significance for Chronic granulomatous disease. Last evaluated: 2025-05-14. Review status: no assertion criteria provided. Collection method: clinical testing. Allele origin: germline. Not counted in ClinVar's aggregate classification.

NM_000101.4(CYBA):c.251C>T (p.Thr84Ile)

Gene: CYBA (cytochrome b-245 alpha chain; minus strand). Cytogenetic location: 16q24.2.
Variant type: single nucleotide variant.
Coding change: c.251C>T on transcript NM_000101.4 (MANE Select); coding-DNA position 251, C replaced by T.
Protein change: p.Thr84Ile; replaces threonine 84 with isoleucine.
Molecular consequence: missense variant.
Genome position (GRCh38, 1-based): chr16:88,646,791, G>A on the plus strand (C>T on the coding strand, the complement: CYBA is on the minus strand). VCF-style: chr16-88646791-G-A. GRCh37 (hg19) VCF-style: chr16-88713199-G-A.
Other names: c.251C>T (NM_000101.3); short protein forms T84I.
Identifiers: ClinVar variation 3618829 (VCV003618829.2).